The following is an entry in ClinVar:

NM_138477.4(CDAN1):c.2869G>A (p.Val957Ile)

Gene: CDAN1 (codanin 1; minus strand). Cytogenetic location: 15q15.2.
Variant type: single nucleotide variant.
Coding change: c.2869G>A on transcript NM_138477.4 (MANE Select); coding-DNA position 2869, G replaced by A.
Protein change: p.Val957Ile; replaces valine 957 with isoleucine.
Molecular consequence: missense variant.
Genome position (GRCh38, 1-based): chr15:42,728,033, C>T on the plus strand (G>A on the coding strand, the complement: CDAN1 is on the minus strand). VCF-style: chr15-42728033-C-T. GRCh37 (hg19) VCF-style: chr15-43020231-C-T.
Other names: short protein forms V957I.
Identifiers: ClinVar variation 2397720 (VCV002397720.4), dbSNP rs140275867, ClinGen allele CA7515399.
Genomic context (GRCh38, chr15:42,728,033, plus strand): 5'-GCCAAGCACAGGCTTTCTCTGTTGCAAGCCCCACAGCAATGTTCTCTGCACTGCTCAGAA[C>T]CTGCGAAACAGAACTACAGAGTCAGGGGCTAGGGGAGGGCTGGGTGCAACAAAGGATGCC-3'
Protein context (NP_612486.2, residues 947-967): ALLPEETPAA[Val957Ile]LSSAENIAVG

ClinVar aggregate classification (germline): Uncertain significance. Review status: criteria provided, multiple submitters, no conflicts (2 of 4 stars). 2 submissions from 2 submitters: Uncertain significance (2). Last evaluated 2024-12-07.

Conditions:
Inborn genetic diseases. Identifiers: MedGen C0950123, MeSH D030342.

Allele frequency attached by ClinVar (database versions not stated): ExAC 0.00003; gnomAD 0.00008; TOPMed 0.00011; ESP Exome Variant Server 0.00031.
gnomAD v4.1: 22 of 1,613,796 alleles (0.0014%); highest among the groups gnomAD compares: African/African-American, 0.027%; no homozygotes.

Submissions (2):

Labcorp Genetics (formerly Invitae), Labcorp
Classification: Uncertain significance. Last evaluated: 2024-12-07. Review status: criteria provided, single submitter. Criteria: Invitae Variant Classification Sherloc (09022015). Collection method: clinical testing. Allele origin: germline.
Comment: This sequence change replaces valine, which is neutral and non-polar, with isoleucine, which is neutral and non-polar, at codon 957 of the CDAN1 protein (p.Val957Ile). This variant is present in population databases (rs140275867, gnomAD 0.04%). This variant has not been reported in the literature in individuals affected with CDAN1-related conditions. ClinVar contains an entry for this variant (Variation ID: 2397720). An algorithm developed to predict the effect of missense changes on protein structure and function (PolyPhen-2) suggests that this variant is likely to be disruptive. In summary, the available evidence is currently insufficient to determine the role of this variant in disease. Therefore, it has been classified as a Variant of Uncertain Significance.

Ambry Genetics
Classification: Uncertain significance for Inborn genetic diseases. Last evaluated: 2021-06-28. Review status: criteria provided, single submitter. Criteria: Ambry Variant Classification Scheme 2023. Collection method: clinical testing. Allele origin: germline.